The following is an entry in ClinVar:

NM_021815.5(SLC5A7):c.577T>G (p.Phe193Val)

Gene: SLC5A7 (solute carrier family 5 member 7; plus strand). Cytogenetic location: 2q12.3.
Variant type: single nucleotide variant.
Coding change: c.577T>G on transcript NM_021815.5 (MANE Select); coding-DNA position 577, T replaced by G.
Protein change: p.Phe193Val; replaces phenylalanine 193 with valine.
Molecular consequence: missense variant. On other transcripts: 5 prime UTR variant (1).
Genome position (GRCh38, 1-based): chr2:107,997,966, T>G. VCF-style: chr2-107997966-T-G. GRCh37 (hg19) VCF-style: chr2-108614422-T-G.
Other names: c.577T>G, p.Phe193Val (NM_001305005.3); c.262T>G, p.Phe88Val (NM_001305006.3); c.-128T>G (NM_001305007.3); c.577T>G (NM_021815.2); short protein forms F193V, F88V.
Identifiers: ClinVar variation 1897268 (VCV001897268.6), dbSNP rs1388091768, ClinGen allele CA348112642.
Genomic context (GRCh38, chr2:107,997,966, plus strand): 5'-ACTCTGTACACACTGGTGGGAGGGCTCTATTCTGTGGCCTACACTGATGTCGTTCAGCTC[T>G]TTTGCATTTTTGTAGGGCTGGTAAGTGGGAGCACCCAAGATTCTCCTCCTTTTTTTCTGT-3'
Protein context (NP_068587.1, residues 183-203): SVAYTDVVQL[Phe193Val]CIFVGLWISV

ClinVar aggregate classification (germline): Uncertain significance. Review status: criteria provided, multiple submitters, no conflicts (2 of 4 stars). 2 submissions from 2 submitters: Uncertain significance (2). Last evaluated 2025-09-08.

Conditions:
Inborn genetic diseases. Identifiers: MedGen C0950123, MeSH D030342.
Congenital myasthenic syndrome 20. Also called: Myasthenic syndrome, congenital, 20, presynaptic. Identifiers: MedGen C4310694, MONDO:0014939, OMIM 617143.
Neuronopathy, distal hereditary motor, type 7A. Also called: HARPER-YOUNG MYOPATHY; HMN VIIA; NEURONOPATHY, DISTAL HEREDITARY MOTOR, HARDING TYPE VIIA; NEUROPATHY, DISTAL HEREDITARY MOTOR, HARDING TYPE VIIA; Neuronopathy, distal hereditary motor, autosomal dominant 7; Neuronopathy, distal hereditary motor, type viia. Identifiers: Orphanet 139589, MedGen C1834703, MONDO:0008024, OMIM 158580.

Allele frequency attached by ClinVar (database versions not stated): gnomAD exomes below 0.00001; gnomAD 0.00001; TOPMed 0.00001.

Submissions (2):

Ambry Genetics
Classification: Uncertain significance for Inborn genetic diseases. Last evaluated: 2025-09-08. Review status: criteria provided, single submitter. Criteria: Ambry Variant Classification Scheme 2023. Collection method: clinical testing. Allele origin: germline.

Labcorp Genetics (formerly Invitae), Labcorp
Classification: Uncertain significance for Neuronopathy, distal hereditary motor, type 7A; Congenital myasthenic syndrome 20. Last evaluated: 2022-08-01. Review status: criteria provided, single submitter. Criteria: Invitae Variant Classification Sherloc (09022015). Collection method: clinical testing. Allele origin: germline.
Comment: In summary, the available evidence is currently insufficient to determine the role of this variant in disease. Therefore, it has been classified as a Variant of Uncertain Significance. Algorithms developed to predict the effect of missense changes on protein structure and function are either unavailable or do not agree on the potential impact of this missense change (SIFT: "Deleterious"; PolyPhen-2: "Benign"; Align-GVGD: "Class C45"). This variant has not been reported in the literature in individuals affected with SLC5A7-related conditions. This variant is present in population databases (no rsID available, gnomAD 0.009%). This sequence change replaces phenylalanine, which is neutral and non-polar, with valine, which is neutral and non-polar, at codon 193 of the SLC5A7 protein (p.Phe193Val).